The following is an entry in ClinVar:

ClinVar aggregate classification (germline): Pathogenic (1 of 4 stars; one submission).

Conditions:
Arrhythmogenic right ventricular dysplasia 8 (ARVD8). Also called: Arrhythmogenic Right Ventricular Dysplasia/Cardiomyopathy 8; ARRHYTHMOGENIC RIGHT VENTRICULAR DYSPLASIA, FAMILIAL, 8; ARRHYTHMOGENIC RIGHT VENTRICULAR CARDIOMYOPATHY 8. Identifiers: MedGen C1843896, MONDO:0011831, OMIM 607450.

Submission:

Victorian Clinical Genetics Services, Murdoch Childrens Research Institute
Classification: Pathogenic for Arrhythmogenic right ventricular dysplasia 8. Last evaluated: 2025-06-16. Review status: criteria provided, single submitter. Criteria: ACMG Guidelines, 2015. Collection method: clinical testing. Allele origin: germline. Affected: yes.
Comment: This variant is classified as Pathogenic. Evidence in support of pathogenic classification: Variant is predicted to result in a truncated protein (premature termination codon is NOT located at least 54 nucleotides upstream of the final exon-exon junction) with at least 1/3 of the protein sequence affected; Variant is absent from gnomAD (v2, v3 and v4); Other truncating variant(s) comparable to the one identified in this case have very strong previous evidence for pathogenicity (ClinVar). Additional information: This variant is heterozygous; This gene is associated with both recessive and dominant disease. Variants in this gene are usually inherited in a dominant manner; however, rare reports of recessive inheritance have resulted in a more severe cardiac phenotype (OMIM); This variant has no previous evidence of pathogenicity; No published segregation evidence has been identified for this variant; No published functional evidence has been identified for this variant; Loss of function is a known mechanism of disease in this gene and is associated with arrhythmogenic right ventricular dysplasia 8 (MIM#607450) and other DSP-related cardiac disorders; The condition associated with this gene has incomplete penetrance. In families with cardiomyopathies, reduced penetrance has been reported among family members aged 60-86 years (PMID: 36580316); Variants in this gene are known to have variable expressivity. Age-dependent penetrance and variable expressivity are well-described aspects of arrhythmogenic cardiomyopathy (PMID: 29062697).

Literature cited by the submitters: PubMed 36580316; PubMed 29062697.

NM_004415.4(DSP):c.5533del (p.Ala1845fs)

Gene: DSP (desmoplakin; plus strand). Cytogenetic location: 6p24.3.
Variant type: Deletion.
Coding change: c.5533del on transcript NM_004415.4 (MANE Select); coding-DNA position 5533, one base deleted (G; older notation c.5533delG).
Protein change: p.Ala1845fs; shifts the reading frame from alanine 1845.
Molecular consequence: frameshift variant.
Genome position (GRCh38, 1-based): chr6:7,582,795, G deleted; the last of 2 consecutive G bases (chr6:7,582,794-7,582,795); deleting either gives the same sequence. VCF-style (leftmost placement, unchanged base first): chr6-7582793-AG-A. GRCh37 (hg19) VCF-style: chr6-7583026-AG-A.
Other names: c.3736del, p.Ala1246fs (NM_001008844.3); c.4204del, p.Ala1402fs (NM_001319034.2); short protein forms A1246fs, A1402fs, A1845fs.
Identifiers: ClinVar variation 4532036 (VCV004532036.1).
Genomic context (GRCh38, chr6:7,582,793, plus strand): 5'-AAGACAAGGCAAGGCTGCAGAGGCTGGAGGATGAGCTGAATCGTGCAAAATCAACTCTAG[AG>A]GCAGAAACCAGGGTGAAACAGCGCCTGGAGTGTGAGAAACAGCAAATTCAGAATGACCTG-3'